The following is an entry in ClinVar:

NM_001385641.1(SAMD11):c.2092C>T (p.Pro698Ser)

Genes: SAMD11 (sterile alpha motif domain containing 11; plus strand), LOC129929063 (ATAC-STARR-seq lymphoblastoid active region 4; plus strand). Cytogenetic location: 1p36.33.
Variant type: single nucleotide variant.
Coding change: c.2092C>T on transcript NM_001385641.1 (MANE Select); coding-DNA position 2092, C replaced by T.
Protein change: p.Pro698Ser; replaces proline 698 with serine.
Molecular consequence: missense variant.
Genome position (GRCh38, 1-based): chr1:943,291, C>T. VCF-style: chr1-943291-C-T. GRCh37 (hg19) VCF-style: chr1-878671-C-T.
Other names: c.1603C>T (NM_152486.2); c.2095C>T, p.Pro699Ser (NM_001385640.1); c.1603C>T, p.Pro535Ser (NM_152486.4); short protein forms P699S, P535S, P698S.
Identifiers: ClinVar variation 1441150 (VCV001441150.8), dbSNP rs369044819, ClinGen allele CA503141.

ClinVar aggregate classification (germline): Uncertain significance. Review status: criteria provided, multiple submitters, no conflicts (2 of 4 stars). 2 submissions from 2 submitters: Uncertain significance (2). Last evaluated 2025-06-23.

Allele frequency attached by ClinVar (database versions not stated): ExAC 0.00001; gnomAD 0.00001; gnomAD exomes 0.00002; TOPMed 0.00002; ESP Exome Variant Server 0.00008.
gnomAD v4.1: 9 of 1,612,602 alleles (0.00056%); highest among the groups gnomAD compares: African/African-American, 0.0013%; no homozygotes.

Submissions (2):

Ambry Genetics
Classification: Uncertain significance. Last evaluated: 2025-06-23. Review status: criteria provided, single submitter. Criteria: Ambry Variant Classification Scheme 2023. Collection method: clinical testing. Allele origin: germline.

Labcorp Genetics (formerly Invitae), Labcorp
Classification: Uncertain significance. Last evaluated: 2024-06-17. Review status: criteria provided, single submitter. Criteria: Invitae Variant Classification Sherloc (09022015). Collection method: clinical testing. Allele origin: germline.
Comment: This sequence change replaces proline, which is neutral and non-polar, with serine, which is neutral and polar, at codon 535 of the SAMD11 protein (p.Pro535Ser). This variant is present in population databases (rs369044819, gnomAD 0.007%). This variant has not been reported in the literature in individuals affected with SAMD11-related conditions. ClinVar contains an entry for this variant (Variation ID: 1441150). Algorithms developed to predict the effect of missense changes on protein structure and function output the following: SIFT: "Not Available"; PolyPhen-2: "Benign"; Align-GVGD: "Not Available". The serine amino acid residue is found in multiple mammalian species, which suggests that this missense change does not adversely affect protein function. In summary, the available evidence is currently insufficient to determine the role of this variant in disease. Therefore, it has been classified as a Variant of Uncertain Significance.